The following is an entry in ClinVar:

ClinVar aggregate classification (germline): Likely benign (0 of 4 stars; one submission).

Conditions:
RPL19-related disorder. Also called: RPL19-related condition.

Allele frequency attached by ClinVar (database versions not stated): ExAC 0.00351.

Submission:

PreventionGenetics, part of Exact Sciences
Classification: Likely benign for RPL19-related condition. Last evaluated: 2022-12-30. Review status: no assertion criteria provided. Collection method: clinical testing. Allele origin: germline.
Comment: This variant is classified as likely benign based on ACMG/AMP sequence variant interpretation guidelines (Richards et al. 2015 PMID: 25741868, with internal and published modifications).

NM_000981.4(RPL19):c.*9A>C

Gene: RPL19 (ribosomal protein L19; plus strand). Cytogenetic location: 17q12.
Variant type: single nucleotide variant.
Coding change: c.*9A>C on transcript NM_000981.4 (MANE Select); 9 bases downstream of the stop codon, A replaced by C.
Molecular consequence: 3 prime UTR variant.
Genome position (GRCh38, 1-based): chr17:39,204,657, A>C. VCF-style: chr17-39204657-A-C. GRCh37 (hg19) VCF-style: chr17-37360910-A-C.
Other names: c.*9A>C (NM_001330200.1).
Identifiers: ClinVar variation 3049583 (VCV003049583.2), dbSNP rs779026156, ClinGen allele CA8528986.